The following is an entry in ClinVar:

ClinVar aggregate classification (germline): Uncertain significance. Review status: criteria provided, multiple submitters, no conflicts (2 of 4 stars). 2 submissions from 2 submitters: Uncertain significance (2). Last evaluated 2026-09-11.

gnomAD v4.1: 22 of 1,582,782 alleles (0.0014%); highest among the groups gnomAD compares: Middle Eastern, 0.017%; no homozygotes.

Submissions (2):

GeneDx
Classification: Uncertain significance. Last evaluated: 2026-09-11. Review status: criteria provided, single submitter. Criteria: GeneDx Variant Classification Process June 2021. Collection method: clinical testing. Allele origin: germline.
Comment: In silico analysis suggests that this missense variant does not alter protein structure/function; Has not been previously published as pathogenic or benign to our knowledge

Ambry Genetics
Classification: Uncertain significance. Last evaluated: 2025-08-01. Review status: criteria provided, single submitter. Criteria: Ambry Variant Classification Scheme 2023. Collection method: clinical testing. Allele origin: germline.

NM_017757.3(ZNF407):c.5794G>A (p.Glu1932Lys)

Gene: ZNF407 (zinc finger protein 407; plus strand). Cytogenetic location: 18q22.3.
Variant type: single nucleotide variant.
Coding change: c.5794G>A on transcript NM_017757.3 (MANE Select); coding-DNA position 5794, G replaced by A.
Protein change: p.Glu1932Lys; replaces glutamic acid 1932 with lysine.
Molecular consequence: missense variant.
Genome position (GRCh38, 1-based): chr18:75,063,515, G>A. VCF-style: chr18-75063515-G-A. GRCh37 (hg19) VCF-style: chr18-72775471-G-A.
Other names: c.5794G>A, p.Glu1932Lys (NM_001384475.1); short protein forms E1932K.
Identifiers: ClinVar variation 3781280 (VCV003781280.3).